The following is an entry in ClinVar:

ClinVar aggregate classification (germline): Uncertain significance (1 of 4 stars; one submission).

gnomAD v4.1: 6 of 1,613,908 alleles (0.00037%); highest among the groups gnomAD compares: African/African-American, 0.0013%; no homozygotes.

Submission:

Labcorp Genetics (formerly Invitae), Labcorp
Classification: Uncertain significance. Last evaluated: 2025-07-22. Review status: criteria provided, single submitter. Criteria: Invitae Variant Classification Sherloc (09022015). Collection method: clinical testing. Allele origin: germline.
Comment: This sequence change replaces arginine, which is basic and polar, with histidine, which is basic and polar, at codon 681 of the GRM1 protein (p.Arg681His). This variant is not present in population databases (gnomAD no frequency). This variant has not been reported in the literature in individuals affected with GRM1-related conditions. An algorithm developed to predict the effect of missense changes on protein structure and function (PolyPhen-2) suggests that this variant is likely to be disruptive. In summary, the available evidence is currently insufficient to determine the role of this variant in disease. Therefore, it has been classified as a Variant of Uncertain Significance.

NM_001278064.2(GRM1):c.2042G>A (p.Arg681His)

Gene: GRM1 (glutamate metabotropic receptor 1; plus strand). Cytogenetic location: 6q24.3.
Variant type: single nucleotide variant.
Coding change: c.2042G>A on transcript NM_001278064.2 (MANE Select); coding-DNA position 2042, G replaced by A.
Protein change: p.Arg681His; replaces arginine 681 with histidine.
Molecular consequence: missense variant.
Genome position (GRCh38, 1-based): chr6:146,399,081, G>A. VCF-style: chr6-146399081-G-A. GRCh37 (hg19) VCF-style: chr6-146720217-G-A.
Other names: c.2042G>A, p.Arg681His (NM_001278065.2, NM_001278066.1, NM_001278067.1); short protein forms R681H.
Identifiers: ClinVar variation 4778892 (VCV004778892.1).